The following is an entry in ClinVar:

ClinVar aggregate classification (germline): Uncertain significance. Review status: criteria provided, multiple submitters, no conflicts (2 of 4 stars). 2 submissions from 2 submitters: Uncertain significance (2). Last evaluated 2024-06-07.

Conditions:
Hereditary cancer-predisposing syndrome. Also called: Tumor predisposition; Neoplastic Syndromes, Hereditary; Hereditary Cancer Syndrome; Hereditary neoplastic syndrome. Identifiers: Orphanet 140162, MedGen C0027672, MeSH D009386, MONDO:0015356.

Submissions (2):

Ambry Genetics
Classification: Uncertain significance for Hereditary cancer-predisposing syndrome. Last evaluated: 2024-06-07. Review status: criteria provided, single submitter. Criteria: Ambry Variant Classification Scheme 2023. Collection method: clinical testing. Allele origin: germline.
Comment: The c.2617_2620delGAGA variant, located in coding exon 17 of the CTNNA1 gene, results from a deletion of 4 nucleotides at nucleotide positions 2617 to 2620, causing a translational frameshift with a predicted alternate stop codon (p.E873Nfs*18). This alteration is expected to result in loss of function by premature protein truncation or nonsense-mediated mRNA decay. The evidence for this gene-disease relationship is limited; therefore, the clinical significance of this alteration is unclear.

Labcorp Genetics (formerly Invitae), Labcorp
Classification: Uncertain significance. Last evaluated: 2022-06-26. Review status: criteria provided, single submitter. Criteria: Invitae Variant Classification Sherloc (09022015). Collection method: clinical testing. Allele origin: germline.
Comment: In summary, the available evidence is currently insufficient to determine the role of this variant in disease. Therefore, it has been classified as a Variant of Uncertain Significance. This variant has not been reported in the literature in individuals affected with CTNNA1-related conditions. This variant is not present in population databases (gnomAD no frequency). This sequence change creates a premature translational stop signal (p.Glu873Asnfs*18) in the CTNNA1 gene. While this is not anticipated to result in nonsense mediated decay, it is expected to disrupt the last 34 amino acid(s) of the CTNNA1 protein.

NM_001903.5(CTNNA1):c.2617_2620del (p.Glu873fs)

Gene: CTNNA1 (catenin alpha 1; plus strand). Cytogenetic location: 5q31.2.
Variant type: Microsatellite.
Coding change: c.2617_2620del on transcript NM_001903.5 (MANE Select); coding-DNA positions 2617 to 2620, 4 bases deleted (GAGA; older notation c.2617_2620delGAGA).
Protein change: p.Glu873fs; shifts the reading frame from glutamic acid 873.
Molecular consequence: frameshift variant. On other transcripts: 3 prime UTR variant (5).
Genome position (GRCh38, 1-based): chr5:138,933,985-138,933,988, GAGA deleted; deleting any 4 consecutive bases within chr5:138,933,980-138,933,988 gives the same sequence; the c. name uses the placement nearest the transcript's 3' end. VCF-style (leftmost placement, unchanged base first): chr5-138933979-AAGAG-A. GRCh37 (hg19) VCF-style: chr5-138269668-AAGAG-A.
Other names: c.*158GA[2] (NM_001290307.3, NM_001324002.1, NM_001324003.1 and 2 more transcripts); c.2308_2311del, p.Glu770fs (NM_001290309.3); c.2248_2251del, p.Glu750fs (NM_001290310.3); c.1507_1510del, p.Glu503fs (NM_001290312.1, NM_001323987.1, NM_001323988.1 and 12 more transcripts); c.2617_2620del, p.Glu873fs (NM_001323982.2, NM_001323983.1, NM_001323984.2); c.2590_2593del, p.Glu864fs (NM_001323985.2); c.2524_2527del, p.Glu842fs (NM_001323986.2); c.1372_1375del, p.Glu458fs (NM_001324001.1); and 4 more; short protein forms E472fs, E390fs, E422fs, E770fs, E864fs, E873fs, E458fs, E750fs.
Identifiers: ClinVar variation 2011227 (VCV002011227.5), dbSNP rs1266085029, ClinGen allele CA2580613675.
Genomic context (GRCh38, chr5:138,933,979, plus strand): 5'-TCCCTCAACCTTCCTGCTGTGTCATGGAAGATGAAGGCACCAGAGAAAAAGCCATTGGTG[AAGAG>A]AGAGAAACAGGATGAGACACAGACCAAGATTAAACGGGCATCTCAGAAGAAGCACGTGAA-3'